The following is an entry in ClinVar:

ClinVar aggregate classification (germline): Likely benign (1 of 4 stars; one submission).

Allele frequency attached by ClinVar (database versions not stated): ESP Exome Variant Server 0.00010; gnomAD exomes 0.00017; gnomAD 0.00028; TOPMed 0.00063; ExAC 0.00102; 1000 Genomes Project 30x 0.00229; 1000 Genomes Project 0.00291.
gnomAD v4.1: 196 of 1,003,083 alleles (0.02%); highest among the groups gnomAD compares: East Asian, 0.59%; no homozygotes.

Submission:

CeGaT Center for Human Genetics Tuebingen
Classification: Likely benign. Last evaluated: 2023-09-01. Review status: criteria provided, single submitter. Criteria: CeGaT Center For Human Genetics Tuebingen Variant Classification Criteria Version 2. Collection method: clinical testing. Allele origin: germline. Affected: yes. Observed: 2 variant alleles.
Comment: ARHGAP4: BP4, BS2

NM_001666.5(ARHGAP4):c.2822C>T (p.Thr941Met)

Gene: ARHGAP4 (Rho GTPase activating protein 4; minus strand). Cytogenetic location: Xq28.
Variant type: single nucleotide variant.
Coding change: c.2822C>T on transcript NM_001666.5 (MANE Select); coding-DNA position 2822, C replaced by T.
Protein change: p.Thr941Met; replaces threonine 941 with methionine.
Molecular consequence: missense variant.
Genome position (GRCh38, 1-based): chrX:153,907,748, G>A on the plus strand (C>T on the coding strand, the complement: ARHGAP4 is on the minus strand). VCF-style: chrX-153907748-G-A. GRCh37 (hg19) VCF-style: chrX-153173202-G-A.
Other names: c.2942C>T, p.Thr981Met (NM_001164741.2); short protein forms T941M, T981M.
Identifiers: ClinVar variation 2661746 (VCV002661746.24), dbSNP rs186581498, ClinGen allele CA10555196.